The following is an entry in ClinVar:

ClinVar aggregate classification (germline): not provided (0 of 4 stars; one submission).

Allele frequency attached by ClinVar (database versions not stated): 1000 Genomes Project 30x 0.00125; 1000 Genomes Project 0.00140; TOPMed 0.00192; gnomAD 0.00254 and 0.00267; gnomAD exomes 0.00321 and 0.00363; ExAC 0.00613.
gnomAD v4.1: 4,798 of 1,366,842 alleles (0.35%); highest among the groups gnomAD compares: South Asian, 0.66%; 23 homozygotes.

Submission:

ITMI
No classification provided. Condition: AllHighlyPenetrant. Last evaluated: 2013-09-19. Review status: no classification provided. Collection method: reference population. Allele origin: germline.
Comment: Please see associated publication for description of ethnicities

Literature cited by the submitters: PubMed 24728327.

NM_003820.4(TNFRSF14):c.305-653T>C

Gene: TNFRSF14 (TNF receptor superfamily member 14; plus strand). Cytogenetic location: 1p36.32.
Variant type: single nucleotide variant.
Coding change: c.305-653T>C on transcript NM_003820.4 (MANE Select); 653 bases into the intron before coding-DNA position 305, T replaced by C.
Molecular consequence: intron variant.
Genome position (GRCh38, 1-based): chr1:2,559,170, T>C. VCF-style: chr1-2559170-T-C. GRCh37 (hg19) VCF-style: chr1-2490609-T-C.
Other names: c.305-653T>C (NM_001297605.2).
Identifiers: ClinVar variation 133399 (VCV000133399.1), dbSNP rs148507536, ClinGen allele CA156491.